The following is an entry in ClinVar:

NM_000197.2(HSD17B3):c.527A>C (p.Gln176Pro)

Genes: HSD17B3 (hydroxysteroid 17-beta dehydrogenase 3; minus strand), SLC35D2-HSD17B3 (SLC35D2-HSD17B3 readthrough; minus strand). Cytogenetic location: 9q22.32.
Variant type: single nucleotide variant.
Coding change: c.527A>C on transcript NM_000197.2 (MANE Select); coding-DNA position 527, A replaced by C.
Protein change: p.Gln176Pro; replaces glutamine 176 with proline.
Molecular consequence: missense variant. On other transcripts: non-coding transcript variant (1).
Genome position (GRCh38, 1-based): chr9:96,245,424, T>G on the plus strand (A>C on the coding strand, the complement: HSD17B3 is on the minus strand). VCF-style: chr9-96245424-T-G. GRCh37 (hg19) VCF-style: chr9-99007706-T-G.
Other names: short protein forms Q176P.
Identifiers: ClinVar variation 2735300 (VCV002735300.5), dbSNP rs767259718, ClinGen allele CA5140351.
Genomic context (GRCh38, chr9:96,245,424, plus strand): 5'-GAGTAGAGAGGCCAAGGAAACAGGGCTATCCCAGAAGAAATGTTCAGGATGAGACCTTTC[T>G]GCCTGAAAGGCAAAGAAGCAAAGTTCCCATGGCTTTGTTGCCCTACCTGACCTTGAGTAC-3'
Protein context (NP_000188.1, residues 166-186): QLILKHMESR[Gln176Pro]KGLILNISSG

ClinVar aggregate classification (germline): Pathogenic. Review status: criteria provided, multiple submitters, no conflicts (2 of 4 stars). 2 submissions from 2 submitters: Pathogenic (2). Last evaluated 2024-07-30.

Conditions:
Testosterone 17-beta-dehydrogenase deficiency. Also called: 46,XY disorder of sex development due to 17-beta-hydroxysteroid dehydrogenase 3 deficiency; Pseudohermaphroditism male with gynecomastia; 17-beta hydroxysteroid dehydrogenase 3 deficiency; 17 alpha ketosteroid reductase deficiency of testis; 17 alpha KSR deficiency; Neutral 17 beta hydroxysteroid oxidoreductase deficiency. Identifiers: Orphanet 752, MedGen C0268296, MONDO:0009916, OMIM 264300. Disease mechanism: loss of function.

Allele frequency attached by ClinVar (database versions not stated): TOPMed 0.00001; ExAC 0.00002.
gnomAD v4.1: 4 of 1,613,306 alleles (0.00025%); highest among the groups gnomAD compares: Non-Finnish European, 0.00025%; no homozygotes.

Submissions (2):

Women's Health and Genetics/Laboratory Corporation of America, LabCorp
Classification: Pathogenic for Testosterone 17-beta-dehydrogenase deficiency. Last evaluated: 2024-07-30. Review status: criteria provided, single submitter. Criteria: LabCorp Variant Classification Summary - May 2015. Collection method: clinical testing. Allele origin: germline.
Comment: Variant summary: HSD17B3 c.527A>C (p.Gln176Pro) results in a non-conservative amino acid change in the encoded protein sequence. Four of five in-silico tools predict a benign effect of the variant on protein function. The variant allele was found at a frequency of 8e-06 in 251320 control chromosomes. c.527A>C has been reported in the literature in multiple individuals affected with Testosterone 17-beta-dehydrogenase deficiency (Hassan_2016, BenRhouma_2017, Mazen_2021). These data indicate that the variant is very likely to be associated with disease. To our knowledge, no experimental evidence demonstrating an impact on protein function has been reported. The following publications have been ascertained in the context of this evaluation (PMID: 26956191, 27073926, 33742552). ClinVar contains an entry for this variant (Variation ID: 2735300). Based on the evidence outlined above, the variant was classified as pathogenic.

Labcorp Genetics (formerly Invitae), Labcorp
Classification: Pathogenic. Last evaluated: 2023-05-30. Review status: criteria provided, single submitter. Criteria: Invitae Variant Classification Sherloc (09022015). Collection method: clinical testing. Allele origin: germline.
Comment: This sequence change replaces glutamine, which is neutral and polar, with proline, which is neutral and non-polar, at codon 176 of the HSD17B3 protein (p.Gln176Pro). This variant is present in population databases (rs767259718, gnomAD 0.002%). For these reasons, this variant has been classified as Pathogenic. Algorithms developed to predict the effect of sequence changes on RNA splicing suggest that this variant may disrupt the consensus splice site. An algorithm developed to predict the effect of missense changes on protein structure and function (PolyPhen-2) suggests that this variant is likely to be disruptive. This missense change has been observed in individuals with 17-beta-hydroxysteroid dehydrogenase type 3 deficiency (PMID: 8550739, 10599740, 26956191, 27073926, 33742552).

Literature cited by the submitters: PubMed 33742552 (cited by Women's Health and Genetics/Laboratory Corporation of America, LabCorp and Labcorp Genetics (formerly Invitae), Labcorp); PubMed 26956191 (cited by Women's Health and Genetics/Laboratory Corporation of America, LabCorp and Labcorp Genetics (formerly Invitae), Labcorp); PubMed 27073926 (cited by Women's Health and Genetics/Laboratory Corporation of America, LabCorp and Labcorp Genetics (formerly Invitae), Labcorp); PubMed 8550739 (cited by Labcorp Genetics (formerly Invitae), Labcorp); PubMed 10599740 (cited by Labcorp Genetics (formerly Invitae), Labcorp).